The following is an entry in ClinVar:

NM_024642.5(GALNT12):c.1230G>A (p.Val410=)

Gene: GALNT12 (polypeptide N-acetylgalactosaminyltransferase 12; plus strand). Cytogenetic location: 9q22.33.
Variant type: single nucleotide variant.
Coding change: c.1230G>A on transcript NM_024642.5 (MANE Select); coding-DNA position 1230, G replaced by A.
Protein change: p.Val410=; no amino-acid change (valine 410 retained).
Molecular consequence: synonymous variant.
Genome position (GRCh38, 1-based): chr9:98,840,019, G>A. VCF-style: chr9-98840019-G-A. GRCh37 (hg19) VCF-style: chr9-101602301-G-A.
Identifiers: ClinVar variation 3280556 (VCV003280556.2).

ClinVar aggregate classification (germline): Benign/Likely benign. Review status: criteria provided, multiple submitters, no conflicts (2 of 4 stars). 2 submissions from 2 submitters: Benign (1); Likely benign (1). Last evaluated 2026-04-27.

Conditions:
Colorectal cancer, susceptibility to, 1. Also called: COLORECTAL ADENOMA AND CANCER, SUSCEPTIBILITY TO; COLORECTAL CANCER, SUSCEPTIBILITY TO, ON CHROMOSOME 9. Identifiers: MedGen C1837315, MONDO:0012132, OMIM 608812.

gnomAD v4.1: 1 of 1,614,032 alleles (0.000062%); highest among the groups gnomAD compares: East Asian, 0.0022%; no homozygotes.

Submissions (2):

Myriad Genetics, Inc.
Classification: Benign for Colorectal cancer, susceptibility to, 1. Last evaluated: 2026-04-27. Review status: criteria provided, single submitter. Criteria: Myriad Autosomal Dominant, Autosomal Recessive and X-Linked Classification Criteria (2023). Collection method: clinical testing. Allele origin: unknown.
Comment: This variant is considered benign. This variant is a silent/synonymous amino acid change and it is not expected to impact splicing.

Ambry Genetics
Classification: Likely benign. Last evaluated: 2024-03-30. Review status: criteria provided, single submitter. Criteria: Ambry Variant Classification Scheme 2023. Collection method: clinical testing. Allele origin: germline.